The following is an entry in ClinVar:

ClinVar aggregate classification (germline): Uncertain significance (1 of 4 stars; one submission).

Conditions:
Intellectual developmental disorder, autosomal recessive 61. Also called: ALWADEI SYNDROME; Intellectual disability, autosomal recessive 61; MENTAL RETARDATION, AUTOSOMAL RECESSIVE 61. Identifiers: MedGen C4540424, MONDO:0030915, OMIM 617773.

Allele frequency attached by ClinVar (database versions not stated): TOPMed below 0.00001; gnomAD exomes below 0.00001 and 0.00002.

Submission:

Baylor Genetics
Classification: Uncertain significance for Intellectual developmental disorder, autosomal recessive 61. Last evaluated: 2018-07-16. Review status: criteria provided, single submitter. Criteria: ACMG Guidelines, 2015. Collection method: clinical testing. Allele origin: unknown. Affected: yes.
Comment: This variant was determined to be of uncertain significance according to ACMG Guidelines, 2015 [PMID:25741868].

NM_014806.5(RUSC2):c.567C>A (p.His189Gln)

Gene: RUSC2 (RUN and SH3 domain containing 2; plus strand). Cytogenetic location: 9p13.3.
Variant type: single nucleotide variant.
Coding change: c.567C>A on transcript NM_014806.5 (MANE Select); coding-DNA position 567, C replaced by A.
Protein change: p.His189Gln; replaces histidine 189 with glutamine.
Molecular consequence: missense variant. On other transcripts: non-coding transcript variant (1), intron variant (1).
Genome position (GRCh38, 1-based): chr9:35,547,088, C>A. VCF-style: chr9-35547088-C-A. GRCh37 (hg19) VCF-style: chr9-35547085-C-A.
Other names: c.567C>A, p.His189Gln (NM_001135999.2); c.-620-7972C>A (NM_001330740.2); short protein forms H189Q.
Identifiers: ClinVar variation 1031873 (VCV001031873.2), dbSNP rs1030373633, ClinGen allele CA192743501.